The following is an entry in ClinVar:

ClinVar aggregate classification (germline): Uncertain significance (1 of 4 stars; one submission).

Conditions:
Arrhythmogenic cardiomyopathy with wooly hair and keratoderma. Also called: PALMOPLANTAR KERATODERMA WITH LEFT VENTRICULAR CARDIOMYOPATHY AND WOOLLY HAIR; Carvajal syndrome; Dilated cardiomyopathy with woolly hair and keratoderma; Arrhythmogenic cardiomyopathy with woolly hair and keratoderma. Identifiers: Orphanet 65282, MedGen C1854063, MONDO:0011581, OMIM 605676.

Submission:

All of Us Research Program, National Institutes of Health
Classification: Uncertain significance for Arrhythmogenic cardiomyopathy with wooly hair and keratoderma. Last evaluated: 2023-08-15. Review status: criteria provided, single submitter. Criteria: ACMG Guidelines, 2015. Collection method: clinical testing. Allele origin: germline. Inheritance: Autosomal dominant inheritance. Observed: 1 variant allele, 1 heterozygote.
Comment: This study involves interpretation of variants in research participants for the purpose of population health screening. Participant phenotype was not available at the time of variant classification. Additional details can be found in publication PMID: 35346344, PMCID: PMC8962531

NM_004415.4(DSP):c.233G>T (p.Cys78Phe)

Gene: DSP (desmoplakin; plus strand). Cytogenetic location: 6p24.3.
Variant type: single nucleotide variant.
Coding change: c.233G>T on transcript NM_004415.4 (MANE Select); coding-DNA position 233, G replaced by T.
Protein change: p.Cys78Phe; replaces cysteine 78 with phenylalanine.
Molecular consequence: missense variant.
Genome position (GRCh38, 1-based): chr6:7,555,780, G>T. VCF-style: chr6-7555780-G-T. GRCh37 (hg19) VCF-style: chr6-7556013-G-T.
Other names: c.233G>T, p.Cys78Phe (NM_001008844.3, NM_001319034.2, NM_001406591.1); short protein forms C78F.
Identifiers: ClinVar variation 3072621 (VCV003072621.1), dbSNP rs2533842335, ClinGen allele CA362670809.